The following is an entry in ClinVar:

NM_001379286.1(ZNF423):c.3245G>A (p.Arg1082His)

Gene: ZNF423 (zinc finger protein 423; minus strand). Cytogenetic location: 16q12.1.
Variant type: single nucleotide variant.
Coding change: c.3245G>A on transcript NM_001379286.1 (MANE Select); coding-DNA position 3245, G replaced by A.
Protein change: p.Arg1082His; replaces arginine 1082 with histidine.
Molecular consequence: missense variant.
Genome position (GRCh38, 1-based): chr16:49,635,931, C>T on the plus strand (G>A on the coding strand, the complement: ZNF423 is on the minus strand). VCF-style: chr16-49635931-C-T. GRCh37 (hg19) VCF-style: chr16-49669842-C-T.
Other names: c.3041G>A, p.Arg1014His (NM_001271620.2); c.2870G>A, p.Arg957His (NM_001330533.2); c.3221G>A, p.Arg1074His (NM_015069.5); short protein forms R1074H, R1014H, R957H, R1082H.
Identifiers: ClinVar variation 286682 (VCV000286682.8), dbSNP rs370797524, ClinGen allele CA8046357.

ClinVar aggregate classification (germline): Uncertain significance. Review status: criteria provided, multiple submitters, no conflicts (2 of 4 stars). 2 submissions from 2 submitters: Uncertain significance (2). Last evaluated 2021-08-29.

Conditions:
Nephronophthisis 14 (NPHP14). Identifiers: Orphanet 2318, MedGen C3539071, MONDO:0013916, OMIM 614844.

Allele frequency attached by ClinVar (database versions not stated): gnomAD exomes 0.00003; TOPMed 0.00003; gnomAD 0.00004; ESP Exome Variant Server 0.00008; 1000 Genomes Project 30x 0.00016.
gnomAD v4.1: 21 of 1,589,230 alleles (0.0013%); highest among the groups gnomAD compares: African/African-American, 0.0094%; no homozygotes.

Submissions (2):

Labcorp Genetics (formerly Invitae), Labcorp
Classification: Uncertain significance for Nephronophthisis 14. Last evaluated: 2021-08-29. Review status: criteria provided, single submitter. Criteria: Invitae Variant Classification Sherloc (09022015). Collection method: clinical testing. Allele origin: germline.
Comment: In summary, the available evidence is currently insufficient to determine the role of this variant in disease. Therefore, it has been classified as a Variant of Uncertain Significance. Algorithms developed to predict the effect of missense changes on protein structure and function are either unavailable or do not agree on the potential impact of this missense change (SIFT: "Tolerated"; PolyPhen-2: "Possibly Damaging"; Align-GVGD: "Class C0"). ClinVar contains an entry for this variant (Variation ID: 286682). This variant has not been reported in the literature in individuals affected with ZNF423-related conditions. This variant is present in population databases (rs370797524, ExAC 0.02%). This sequence change replaces arginine with histidine at codon 1074 of the ZNF423 protein (p.Arg1074His). The arginine residue is moderately conserved and there is a small physicochemical difference between arginine and histidine.

Eurofins Ntd Llc (ga)
Classification: Uncertain significance. Last evaluated: 2016-03-22. Review status: criteria provided, single submitter. Criteria: EGL Classification Definitions 2015. Collection method: clinical testing. Allele origin: germline. Observed: 1 variant allele, 1 heterozygote.